The following is an entry in ClinVar:

NM_001162501.2(TNRC6B):c.4120G>A (p.Gly1374Ser)

Gene: TNRC6B (trinucleotide repeat containing adaptor 6B; plus strand). Cytogenetic location: 22q13.1.
Variant type: single nucleotide variant.
Coding change: c.4120G>A on transcript NM_001162501.2 (MANE Select); coding-DNA position 4120, G replaced by A.
Protein change: p.Gly1374Ser; replaces glycine 1374 with serine.
Molecular consequence: missense variant.
Genome position (GRCh38, 1-based): chr22:40,301,333, G>A. VCF-style: chr22-40301333-G-A. GRCh37 (hg19) VCF-style: chr22-40697337-G-A.
Other names: c.1708G>A, p.Gly570Ser (NM_001024843.2); c.3790G>A, p.Gly1264Ser (NM_015088.3); short protein forms G1264S, G1374S, G570S.
Identifiers: ClinVar variation 2498911 (VCV002498911.28), dbSNP rs1287368487, ClinGen allele CA411663346.

ClinVar aggregate classification (germline): Uncertain significance. Review status: criteria provided, multiple submitters, no conflicts (2 of 4 stars). 2 submissions from 2 submitters: Uncertain significance (2). Last evaluated 2025-11-01.

Conditions:
Global developmental delay with speech and behavioral abnormalities. Identifiers: MedGen C5543226, MONDO:0030995, OMIM 619243.

Submissions (2):

CeGaT Center for Human Genetics Tuebingen
Classification: Uncertain significance. Last evaluated: 2025-11-01. Review status: criteria provided, single submitter. Criteria: CeGaT Center For Human Genetics Tuebingen Variant Classification Criteria Version 2. Collection method: clinical testing. Allele origin: germline. Affected: yes. Observed: 1 variant allele.
Comment: TNRC6B: PM2

Genomic Medicine Center of Excellence, King Faisal Specialist Hospital and Research Centre
Classification: Uncertain significance for Global developmental delay with speech and behavioral abnormalities. Last evaluated: 2024-04-04. Review status: criteria provided, single submitter. Criteria: ACMG Guidelines, 2015. Collection method: clinical testing. Allele origin: germline.